The following is an entry in ClinVar:

ClinVar aggregate classification (germline): Uncertain significance (1 of 4 stars; one submission).

Conditions:
Severe combined immunodeficiency due to DCLRE1C deficiency (RS-SCID). Also called: SCID, AUTOSOMAL RECESSIVE, T CELL-NEGATIVE, B CELL-NEGATIVE, NK CELL-POSITIVE, WITH SENSITIVITY TO IONIZING RADIATION. Identifiers: Orphanet 275, MedGen C1865371, MONDO:0011225, OMIM 602450.

Allele frequency attached by ClinVar (database versions not stated): TOPMed below 0.00001.
gnomAD v4.1: 1 of 1,614,258 alleles (0.000062%); highest among the groups gnomAD compares: South Asian, 0.0011%; no homozygotes.

Submission:

Labcorp Genetics (formerly Invitae), Labcorp
Classification: Uncertain significance for Athabaskan severe combined immunodeficiency. Last evaluated: 2022-02-10. Review status: criteria provided, single submitter. Criteria: Invitae Variant Classification Sherloc (09022015). Collection method: clinical testing. Allele origin: germline.
Comment: This sequence change replaces methionine, which is neutral and non-polar, with valine, which is neutral and non-polar, at codon 238 of the DCLRE1C protein (p.Met238Val). This variant is not present in population databases (gnomAD no frequency). This variant has not been reported in the literature in individuals affected with DCLRE1C-related conditions. Algorithms developed to predict the effect of missense changes on protein structure and function (SIFT, PolyPhen-2, Align-GVGD) all suggest that this variant is likely to be tolerated. Algorithms developed to predict the effect of sequence changes on RNA splicing suggest that this variant may create or strengthen a splice site. In summary, the available evidence is currently insufficient to determine the role of this variant in disease. Therefore, it has been classified as a Variant of Uncertain Significance.

NM_001033855.3(DCLRE1C):c.712A>G (p.Met238Val)

Gene: DCLRE1C (DNA cross-link repair 1C; minus strand). Cytogenetic location: 10p13.
Variant type: single nucleotide variant.
Coding change: c.712A>G on transcript NM_001033855.3 (MANE Select); coding-DNA position 712, A replaced by G.
Protein change: p.Met238Val; replaces methionine 238 with valine.
Molecular consequence: missense variant. On other transcripts: non-coding transcript variant (4).
Genome position (GRCh38, 1-based): chr10:14,932,922, T>C on the plus strand (A>G on the coding strand, the complement: DCLRE1C is on the minus strand). VCF-style: chr10-14932922-T-C. GRCh37 (hg19) VCF-style: chr10-14974921-T-C.
Other names: c.352A>G, p.Met118Val (NM_001033857.3, NM_001033858.3, NM_001289077.2 and 2 more transcripts); c.367A>G, p.Met123Val (NM_001289076.2, NM_001289078.2, NM_001350966.2 and 1 more transcripts); c.712A>G, p.Met238Val (NM_001350965.2); short protein forms M238V, M118V, M123V.
Identifiers: ClinVar variation 1509531 (VCV001509531.5), dbSNP rs757591183, ClinGen allele CA376058458.